The following is an entry in ClinVar:

NM_020549.5(CHAT):c.1267G>A (p.Asp423Asn)

Gene: CHAT (choline O-acetyltransferase; plus strand). Cytogenetic location: 10q11.23.
Variant type: single nucleotide variant.
Coding change: c.1267G>A on transcript NM_020549.5 (MANE Select); coding-DNA position 1267, G replaced by A.
Protein change: p.Asp423Asn; replaces aspartic acid 423 with asparagine.
Molecular consequence: missense variant.
Genome position (GRCh38, 1-based): chr10:49,646,660, G>A. VCF-style: chr10-49646660-G-A. GRCh37 (hg19) VCF-style: chr10-50854706-G-A.
Other names: c.913G>A, p.Asp305Asn (NM_001142929.2, NM_001142934.2, NM_020984.4 and 2 more transcripts); c.1021G>A, p.Asp341Asn (NM_001142933.2); short protein forms D341N, D423N, D305N.
Identifiers: ClinVar variation 961538 (VCV000961538.6), dbSNP rs759707536, ClinGen allele CA5497424.

ClinVar aggregate classification (germline): Uncertain significance. Review status: criteria provided, multiple submitters, no conflicts (2 of 4 stars). 3 submissions from 3 submitters: Uncertain significance (3). Last evaluated 2024-04-30.

Conditions:
Familial infantile myasthenia (CMS6). Also called: MYASTHENIC SYNDROME, CONGENITAL, 6, PRESYNAPTIC; MYASTHENIC SYNDROME, PRESYNAPTIC, CONGENITAL, ASSOCIATED WITH EPISODIC APNEA; Congenital myasthenic syndrome type 6. Identifiers: Orphanet 590, MedGen C0393929, MONDO:0009689, OMIM 254210.

Allele frequency attached by ClinVar (database versions not stated): gnomAD 0.00001; gnomAD exomes 0.00001 and 0.00002; TOPMed 0.00001; ExAC 0.00002.
gnomAD v4.1: 12 of 1,613,672 alleles (0.00074%); highest among the groups gnomAD compares: Middle Eastern, 0.017%; no homozygotes.

Submissions (3):

Women's Health and Genetics/Laboratory Corporation of America, LabCorp
Classification: Uncertain significance. Last evaluated: 2024-04-30. Review status: criteria provided, single submitter. Criteria: LabCorp Variant Classification Summary - May 2015. Collection method: clinical testing. Allele origin: germline.
Comment: Variant summary: CHAT c.1267G>A (p.Asp423Asn) results in a conservative amino acid change located in the Choline/carnitine acyltransferase domain (IPR039551) of the encoded protein sequence. Four of five in-silico tools predict a damaging effect of the variant on protein function. The variant allele was found at a frequency of 1.6e-05 in 250816 control chromosomes (gnomAD). The available data on variant occurrences in the general population are insufficient to allow any conclusion about variant significance. c.1267G>A has been reported in the literature in an individuals affected with Congenital Myasthenic Syndrome (Krenn_2023). These data do not allow any conclusion about variant significance. To our knowledge, no experimental evidence demonstrating an impact on protein function has been reported. The following publication has been ascertained in the context of this evaluation (PMID: 36308527). ClinVar contains an entry for this variant (Variation ID: 961538). Based on the evidence outlined above, the variant was classified as uncertain significance.

Labcorp Genetics (formerly Invitae), Labcorp
Classification: Uncertain significance for Familial infantile myasthenia. Last evaluated: 2022-08-09. Review status: criteria provided, single submitter. Criteria: Invitae Variant Classification Sherloc (09022015). Collection method: clinical testing. Allele origin: germline.
Comment: This sequence change replaces aspartic acid, which is acidic and polar, with asparagine, which is neutral and polar, at codon 423 of the CHAT protein (p.Asp423Asn). This variant is present in population databases (rs759707536, gnomAD 0.006%). This variant has not been reported in the literature in individuals affected with CHAT-related conditions. ClinVar contains an entry for this variant (Variation ID: 961538). Advanced modeling of protein sequence and biophysical properties (such as structural, functional, and spatial information, amino acid conservation, physicochemical variation, residue mobility, and thermodynamic stability) performed at Invitae indicates that this missense variant is expected to disrupt CHAT protein function. In summary, the available evidence is currently insufficient to determine the role of this variant in disease. Therefore, it has been classified as a Variant of Uncertain Significance.

Blueprint Genetics
Classification: Uncertain significance. Last evaluated: 2021-08-17. Review status: criteria provided, single submitter. Criteria: ACMG Guidelines, 2015. Collection method: clinical testing. Allele origin: germline.

Literature cited by the submitters: PubMed 36308527 (cited by Women's Health and Genetics/Laboratory Corporation of America, LabCorp).